The following is an entry in ClinVar:

ClinVar aggregate classification (germline): Uncertain significance (1 of 4 stars; one submission).

Submission:

Labcorp Genetics (formerly Invitae), Labcorp
Classification: Uncertain significance. Last evaluated: 2022-03-16. Review status: criteria provided, single submitter. Criteria: Invitae Variant Classification Sherloc (09022015). Collection method: clinical testing. Allele origin: germline.
Comment: This sequence change replaces leucine, which is neutral and non-polar, with glutamine, which is neutral and polar, at codon 148 of the CAD protein (p.Leu148Gln). This variant is not present in population databases (gnomAD no frequency). This variant has not been reported in the literature in individuals affected with CAD-related conditions. Algorithms developed to predict the effect of missense changes on protein structure and function are either unavailable or do not agree on the potential impact of this missense change (SIFT: "Deleterious"; PolyPhen-2: "Benign"; Align-GVGD: "Class C0"). In summary, the available evidence is currently insufficient to determine the role of this variant in disease. Therefore, it has been classified as a Variant of Uncertain Significance.

NM_004341.5(CAD):c.443T>A (p.Leu148Gln)

Gene: CAD (carbamoyl-phosphate synthetase 2, aspartate transcarbamylase, and dihydroorotase; plus strand). Cytogenetic location: 2p23.3.
Variant type: single nucleotide variant.
Coding change: c.443T>A on transcript NM_004341.5 (MANE Select); coding-DNA position 443, T replaced by A.
Protein change: p.Leu148Gln; replaces leucine 148 with glutamine.
Molecular consequence: missense variant.
Genome position (GRCh38, 1-based): chr2:27,222,284, T>A. VCF-style: chr2-27222284-T-A. GRCh37 (hg19) VCF-style: chr2-27445152-T-A.
Other names: c.443T>A, p.Leu148Gln (NM_001306079.2); short protein forms L148Q.
Identifiers: ClinVar variation 2112932 (VCV002112932.4), dbSNP rs2465287793, ClinGen allele CA346199067.